The following is an entry in ClinVar:

NM_000237.3(LPL):c.688del (p.Val230fs)

Gene: LPL (lipoprotein lipase; plus strand). Cytogenetic location: 8p21.3.
Variant type: Deletion.
Coding change: c.688del on transcript NM_000237.3 (MANE Select); coding-DNA position 688, one base deleted (G; older notation c.688delG).
Protein change: p.Val230fs; shifts the reading frame from valine 230.
Molecular consequence: frameshift variant.
Genome position (GRCh38, 1-based): chr8:19,954,266, G deleted. VCF-style (leftmost placement, unchanged base first): chr8-19954265-TG-T. GRCh37 (hg19) VCF-style: chr8-19811776-TG-T.
Other names: short protein forms V230fs.
Identifiers: ClinVar variation 1366216 (VCV001366216.7), dbSNP rs2128838185, ClinGen allele CA2573142628.

ClinVar aggregate classification (germline): Pathogenic/Likely pathogenic. Review status: criteria provided, multiple submitters, no conflicts (2 of 4 stars). 2 submissions from 2 submitters: Pathogenic (1); Likely pathogenic (1). Last evaluated 2021-09-29.

Conditions:
Hyperlipidemia, familial combined, LPL related (FCHL3). Also called: Hyperapobetalipoproteinemia. Identifiers: MedGen C0020474, MONDO:0007759, OMIM 144250, HP:0008158.
Hyperlipoproteinemia, type I. Also called: Familial hyperlipo-proteinemia type 1; Hyperlipemia essential familial; HYPERLIPOPROTEINEMIA, TYPE IA; LPL DEFICIENCY; Lipoprotein Lipase Deficiency; Lipase D deficiency. Identifiers: Orphanet 309015, Orphanet 444490, MedGen C0023817, MONDO:0009387, OMIM 238600. Disease mechanism: loss of function.

Allele frequency attached by ClinVar (database versions not stated): gnomAD exomes 0.00001.

Submissions (2):

Fulgent Genetics
Classification: Likely pathogenic for Hyperlipidemia, familial combined, LPL related; Hyperlipoproteinemia, type I. Last evaluated: 2021-09-29. Review status: criteria provided, single submitter. Criteria: ACMG Guidelines, 2015. Collection method: clinical testing. Allele origin: unknown.

Labcorp Genetics (formerly Invitae), Labcorp
Classification: Pathogenic. Last evaluated: 2021-05-17. Review status: criteria provided, single submitter. Criteria: Invitae Variant Classification Sherloc (09022015). Collection method: clinical testing. Allele origin: germline.
Comment: For these reasons, this variant has been classified as Pathogenic. This variant has not been reported in the literature in individuals with LPL-related conditions. This variant is not present in population databases (ExAC no frequency). This sequence change creates a premature translational stop signal (p.Val230Leufs*22) in the LPL gene. It is expected to result in an absent or disrupted protein product. Loss-of-function variants in LPL are known to be pathogenic (PMID: 11334614).

Literature cited by the submitters: PubMed 11334614 (cited by Labcorp Genetics (formerly Invitae), Labcorp).